The following is an entry in ClinVar:

NM_020975.6(RET):c.175G>A (p.Ala59Thr)

Gene: RET (ret proto-oncogene; plus strand). Cytogenetic location: 10q11.21.
Variant type: single nucleotide variant.
Coding change: c.175G>A on transcript NM_020975.6 (MANE Select); coding-DNA position 175, G replaced by A.
Protein change: p.Ala59Thr; replaces alanine 59 with threonine.
Molecular consequence: missense variant.
Genome position (GRCh38, 1-based): chr10:43,100,560, G>A. VCF-style: chr10-43100560-G-A. GRCh37 (hg19) VCF-style: chr10-43596008-G-A.
Other names: c.175G>A, p.Ala59Thr (NM_001406779.1, NM_001406780.1, NM_001406781.1 and 34 more transcripts); c.175G>A (NM_020630.5); short protein forms A59T.
Identifiers: ClinVar variation 423343 (VCV000423343.23), dbSNP rs376565365, ClinGen allele CA035435.

ClinVar aggregate classification (germline): Conflicting classifications of pathogenicity. Review status: criteria provided, conflicting classifications (1 of 4 stars). 8 submissions from 8 submitters: Uncertain significance (6); Likely benign (2). Last evaluated 2026-05-05.

Conditions:
RET-related disorder. Also called: RET-related disorders; RET-related condition; RET-related disease.
Hereditary cancer-predisposing syndrome. Also called: Hereditary Cancer Syndrome; Tumor predisposition; Hereditary neoplastic syndrome; Neoplastic Syndromes, Hereditary. Identifiers: Orphanet 140162, MedGen C0027672, MeSH D009386, MONDO:0015356.
Multiple endocrine neoplasia, type 2 (MEN2). Identifiers: Orphanet 653, MedGen C4048306, MONDO:0019003. Disease mechanism: gain of function.
Multiple endocrine neoplasia type 2A. Also called: MULTIPLE ENDOCRINE NEOPLASIA, TYPE IIA; PTC SYNDROME; SIPPLE SYNDROME; MEN 2A; MEN-2A syndrome; Pheochromocytoma and amyloid producing medullary thyroid carcinoma. Identifiers: Orphanet 247698, Orphanet 653, MedGen C0025268, MeSH D018813, MONDO:0008234, OMIM 171400.

Allele frequency attached by ClinVar (database versions not stated): gnomAD 0.00006; ESP Exome Variant Server 0.00008; ExAC 0.00001; gnomAD exomes 0.00001; TOPMed 0.00002.
gnomAD v4.1: 80 of 1,613,742 alleles (0.005%); highest among the groups gnomAD compares: African/African-American, 0.017%; no homozygotes.

Submissions (8):

PreventionGenetics, part of Exact Sciences
Classification: Uncertain significance for RET-related condition. Last evaluated: 2026-05-05. Review status: criteria provided, single submitter. Criteria: ACMG Guidelines, 2015. Collection method: clinical testing. Allele origin: germline.
Comment: The RET c.175G>A variant is predicted to result in the amino acid substitution p.Ala59Thr. To our knowledge, this variant has not been reported in the literature. This variant is reported in 0.020% of alleles in individuals of African descent in gnomAD and has conflicting interpretations in ClinVar ranging from likely benign to uncertain (Variation ID: 423343). Although we suspect that this variant may be benign, at this time, the clinical significance of this variant is uncertain due to the absence of conclusive functional and genetic evidence.

St. Jude Molecular Pathology, St. Jude Children's Research Hospital
Classification: Uncertain significance for Multiple endocrine neoplasia type 2A. Last evaluated: 2026-02-11. Review status: criteria provided, single submitter. Criteria: St. Jude Assertion Criteria 2020. Collection method: clinical testing. Allele origin: germline.
Comment: The RET c.175G>A p.(Ala59Thr) missense change has a maximum subpopulation frequency of 0.02% in gnomAD v2.1.1. The in silico tool REVEL predicts a benign effect on protein function, but to our knowledge this prediction has not been confirmed by functional studies. To our knowledge, this variant has not been reported in the literature in individuals with multiple endocrine neoplasia type II. In summary, the evidence currently available is insufficient to determine the clinical significance of this variant. It has therefore been classified as of uncertain significance.

Labcorp Genetics (formerly Invitae), Labcorp
Classification: Uncertain significance for Multiple endocrine neoplasia, type 2. Last evaluated: 2026-01-24. Review status: criteria provided, single submitter. Criteria: Invitae Variant Classification Sherloc (09022015). Collection method: clinical testing. Allele origin: germline.
Comment: This sequence change replaces alanine, which is neutral and non-polar, with threonine, which is neutral and polar, at codon 59 of the RET protein (p.Ala59Thr). This variant is present in population databases (rs376565365, gnomAD 0.02%). This variant has not been reported in the literature in individuals affected with RET-related conditions. ClinVar contains an entry for this variant (Variation ID: 423343). An algorithm developed to predict the effect of missense changes on protein structure and function outputs the following: PolyPhen-2: "Benign". The threonine amino acid residue is found in multiple mammalian species, which suggests that this missense change does not adversely affect protein function. In summary, the available evidence is currently insufficient to determine the role of this variant in disease. Therefore, it has been classified as a Variant of Uncertain Significance.

Dasa
Classification: Uncertain significance. Last evaluated: 2025-11-29. Review status: criteria provided, single submitter. Criteria: DASA Assertion Criteria. Collection method: clinical testing. Allele origin: germline.
Comment: NM_020975.6(RET):c.175G>A (p.Ala59Thr) is a missense variant that results in the substitution of alanine with threonine. The variant is present at low frequency in population datasets. Based on the available data, this variant is classified as variant of uncertain significance.

Color Diagnostics, LLC DBA Color Health
Classification: Likely benign for Multiple endocrine neoplasia, type 2. Last evaluated: 2024-10-29. Review status: criteria provided, single submitter. Criteria: ACMG Guidelines, 2015. Collection method: clinical testing. Allele origin: germline.

GeneDx
Classification: Uncertain significance. Last evaluated: 2024-06-13. Review status: criteria provided, single submitter. Criteria: GeneDx Variant Classification Process June 2021. Collection method: clinical testing. Allele origin: germline. Affected: yes.
Comment: In silico analysis indicates that this missense variant does not alter protein structure/function; Has not been previously published as pathogenic or benign to our knowledge; This variant is associated with the following publications: (PMID: 14633923)

Revvity Omics, Revvity
Classification: Uncertain significance. Last evaluated: 2024-05-22. Review status: criteria provided, single submitter. Criteria: ACMG Guidelines, 2015. Collection method: clinical testing. Allele origin: germline.

Ambry Genetics
Classification: Likely benign for Hereditary cancer-predisposing syndrome. Last evaluated: 2020-03-20. Review status: criteria provided, single submitter. Criteria: Ambry Variant Classification Scheme 2023. Collection method: clinical testing. Allele origin: germline.